The following is an entry in ClinVar:

ClinVar aggregate classification (germline): Uncertain significance. Review status: reviewed by expert panel (3 of 4 stars). 2 submissions from 2 submitters: Uncertain significance (1). 1 of the submissions does not count toward it. Last evaluated 2024-09-24.

Conditions:
Mitochondrial disease. Also called: Mitochondrial disorder; Mitochondrial disorders. Identifiers: Orphanet 68380, MedGen C0751651, MeSH D028361, MONDO:0044970.
MELAS syndrome (MELAS). Also called: Juvenile myopathy, encephalopathy, lactic acidosis, stroke. Identifiers: Orphanet 550, MedGen C0162671, MONDO:0010789, OMIM 540000.

Submissions (2):

ClinGen Mitochondrial Disease Nuclear and Mitochondrial  Variant Curation Expert Panel, ClinGen
Classification: Uncertain significance for Mitochondrial disease. Last evaluated: 2024-09-24. Review status: reviewed by expert panel. Criteria: clingen mito disease acmg specifications v1-1. Collection method: curation. Allele origin: germline. Inheritance: Mitochondrial inheritance.
Comment: The m.4372C>T variant in MT-TQ has been reported in one individual with primary mitochondrial disease to date however clinical details are not provided (PMIDs: 23463613, 31965079). The variant was present in blood of the proband at 22.8% heteroplasmy and was reportedly absent in an unspecified tissue from the mother (PM6_supporting; PMIDs: 23463613, 31965079). There are no other families reported in the medical literature to our knowledge. This variant is absent in the GenBank dataset, Helix dataset, and gnomAD v3.1.2 (PM2_supporting). Computational predictors are conflicting (MitoTIP: 71.3%; HmtVAR: 0.25). There are no cybrids, single fiber studies, or other functional assays reported on this variant. In summary, this variant meets criteria to be classified as uncertain significance for primary mitochondrial disease inherited in a mitochondrial manner. This classification was approved by the NICHD/NINDS U24 ClinGen Mitochondrial Disease Variant Curation Expert Panel on September 24, 2024. Mitochondrial DNA-specific ACMG/AMP criteria applied (PMID: 32906214): PM6_supporting, PM2_supporting.

Wong Mito Lab, Molecular and Human Genetics, Baylor College of Medicine
Classification: Likely pathogenic for MELAS syndrome. Last evaluated: 2019-07-12. Review status: criteria provided, single submitter. Criteria: Modified ACMG Guidelines (Unpublished). Collection method: clinical testing. Allele origin: germline. Not counted in ClinVar's aggregate classification.
Comment: The NC_012920.1:m.4372C>T variant in MT-TQ gene is interpreted to be a Likely Pathogenic variant based on the modified ACMG guidelines (unpublished). This variant meets the following evidence codes reported in the guidelines: PM2 PM9, PP3, PP6

Literature cited by the submitters: PubMed 31965079 (cited by Wong Mito Lab, Molecular and Human Genetics, Baylor College of Medicine); PubMed 23463613 (cited by Wong Mito Lab, Molecular and Human Genetics, Baylor College of Medicine).

NC_012920.1(MT-TQ):m.4372C>T

Gene: MT-TQ (mitochondrially encoded tRNA glutamine; minus strand).
Variant type: single nucleotide variant.
Genome position: chrM-4372-C-T.
Identifiers: ClinVar variation 689895 (VCV000689895.2), dbSNP rs1603219429, ClinGen allele CA913177906.